The following is an entry in ClinVar:

NM_005560.6(LAMA5):c.8221G>A (p.Gly2741Arg)

Gene: LAMA5 (laminin subunit alpha 5; minus strand). Cytogenetic location: 20q13.33.
Variant type: single nucleotide variant.
Coding change: c.8221G>A on transcript NM_005560.6 (MANE Select); coding-DNA position 8221, G replaced by A.
Protein change: p.Gly2741Arg; replaces glycine 2741 with arginine.
Molecular consequence: missense variant.
Genome position (GRCh38, 1-based): chr20:62,314,701, C>T on the plus strand (G>A on the coding strand, the complement: LAMA5 is on the minus strand). VCF-style: chr20-62314701-C-T. GRCh37 (hg19) VCF-style: chr20-60889757-C-T.
Other names: c.8221G>A (NM_005560.4); short protein forms G2741R.
Identifiers: ClinVar variation 2063596 (VCV002063596.2), dbSNP rs143969346, ClinGen allele CA9940814.

ClinVar aggregate classification (germline): Conflicting classifications of pathogenicity. Review status: criteria provided, conflicting classifications (1 of 4 stars). 2 submissions from 2 submitters: Uncertain significance (1); Likely benign (1). Last evaluated 2025-05-09.

Conditions:
LAMA5-related disorder. Also called: LAMA5-related condition; LAMA5-Related Disorders.

Allele frequency attached by ClinVar (database versions not stated): ExAC 0.00026; gnomAD 0.00051; TOPMed 0.00059; ESP Exome Variant Server 0.00062; 1000 Genomes Project 0.00080; 1000 Genomes Project 30x 0.00094.
gnomAD v4.1: 188 of 1,612,626 alleles (0.012%); highest among the groups gnomAD compares: African/African-American, 0.21%; no homozygotes.

Submissions (2):

PreventionGenetics, part of Exact Sciences
Classification: Likely benign for LAMA5-related condition. Last evaluated: 2025-05-09. Review status: criteria provided, single submitter. Criteria: ACMG Guidelines, 2015. Collection method: clinical testing. Allele origin: germline.
Comment: This variant is classified as likely benign based on ACMG/AMP sequence variant interpretation guidelines (Richards et al. 2015 PMID: 25741868, with internal and published modifications).

Labcorp Genetics (formerly Invitae), Labcorp
Classification: Uncertain significance. Last evaluated: 2022-03-26. Review status: criteria provided, single submitter. Criteria: Invitae Variant Classification Sherloc (09022015). Collection method: clinical testing. Allele origin: germline.
Comment: This sequence change replaces glycine, which is neutral and non-polar, with arginine, which is basic and polar, at codon 2741 of the LAMA5 protein (p.Gly2741Arg). This variant is present in population databases (rs143969346, gnomAD 0.2%). This variant has not been reported in the literature in individuals affected with LAMA5-related conditions. Algorithms developed to predict the effect of missense changes on protein structure and function (SIFT, PolyPhen-2, Align-GVGD) all suggest that this variant is likely to be tolerated. In summary, the available evidence is currently insufficient to determine the role of this variant in disease. Therefore, it has been classified as a Variant of Uncertain Significance.